The following is an entry in ClinVar:

NM_000412.5(HRG):c.144C>A (p.Phe48Leu)

Gene: HRG (histidine rich glycoprotein; plus strand). Cytogenetic location: 3q27.3.
Variant type: single nucleotide variant.
Coding change: c.144C>A on transcript NM_000412.5 (MANE Select); coding-DNA position 144, C replaced by A.
Protein change: p.Phe48Leu; replaces phenylalanine 48 with leucine.
Molecular consequence: missense variant.
Genome position (GRCh38, 1-based): chr3:186,666,175, C>A. VCF-style: chr3-186666175-C-A. GRCh37 (hg19) VCF-style: chr3-186383964-C-A.
Other names: short protein forms F48L.
Identifiers: ClinVar variation 4882131 (VCV004882131.2).
Genomic context (GRCh38, chr3:186,666,175, plus strand): 5'-GCCGGAGGCTGAGAAAGCTCTAGACCTGATCAATAAAAGGCGACGGGATGGCTACCTTTT[C>A]CAATTGCTGCGGATTGCTGATGCCCACTTGGACAGAGTGGTGAGGAATTGCCAATGGCAG-3'
Protein context (NP_000403.1, residues 38-58): INKRRRDGYL[Phe48Leu]QLLRIADAHL

ClinVar aggregate classification (germline): Uncertain significance (1 of 4 stars; one submission).

Submission:

Dasa
Classification: Uncertain significance. Last evaluated: 2025-07-31. Review status: criteria provided, single submitter. Criteria: DASA Assertion Criteria. Collection method: clinical testing. Allele origin: germline.
Comment: NM_000412.5(HRG):c.144C>A (p.Phe48Leu) is a missense variant that results in the substitution of phenylalanine with leucine. This variant is rare in population databases. The currently available literature and clinical evidence are not sufficient to establish a definitive association between this variant and the reported condition. Therefore, this variant is classified as a variant of uncertain significance.